The following is an entry in ClinVar:

NM_020376.4(PNPLA2):c.803G>A (p.Arg268His)

Gene: PNPLA2 (patatin like domain 2, triacylglycerol lipase; plus strand). Cytogenetic location: 11p15.5.
Variant type: single nucleotide variant.
Coding change: c.803G>A on transcript NM_020376.4 (MANE Select); coding-DNA position 803, G replaced by A.
Protein change: p.Arg268His; replaces arginine 268 with histidine.
Molecular consequence: missense variant.
Genome position (GRCh38, 1-based): chr11:823,739, G>A. VCF-style: chr11-823739-G-A. GRCh37 (hg19) VCF-style: chr11-823739-G-A.
Other names: short protein forms R268H.
Identifiers: ClinVar variation 858349 (VCV000858349.10), dbSNP rs774382796, ClinGen allele CA5791190.

ClinVar aggregate classification (germline): Uncertain significance. Review status: criteria provided, multiple submitters, no conflicts (2 of 4 stars). 3 submissions from 3 submitters: Uncertain significance (3). Last evaluated 2024-01-03.

Conditions:
Inborn genetic diseases. Identifiers: MedGen C0950123, MeSH D030342.
Neutral lipid storage myopathy (NLSDM). Also called: NEUTRAL LIPID STORAGE DISEASE WITHOUT ICHTHYOSIS. Identifiers: Orphanet 98908, MedGen C1853136, MONDO:0012545, OMIM 610717.

Allele frequency attached by ClinVar (database versions not stated): gnomAD 0.00005; gnomAD exomes 0.00012.

Submissions (3):

Ambry Genetics
Classification: Uncertain significance for Inborn genetic diseases. Last evaluated: 2024-01-03. Review status: criteria provided, single submitter. Criteria: Ambry Variant Classification Scheme 2023. Collection method: clinical testing. Allele origin: germline.

Revvity Omics, Revvity
Classification: Uncertain significance for Neutral lipid storage myopathy. Last evaluated: 2023-03-03. Review status: criteria provided, single submitter. Criteria: ACMG Guidelines, 2015. Collection method: clinical testing. Allele origin: germline.

Labcorp Genetics (formerly Invitae), Labcorp
Classification: Uncertain significance for Neutral lipid storage myopathy. Last evaluated: 2022-02-10. Review status: criteria provided, single submitter. Criteria: Invitae Variant Classification Sherloc (09022015). Collection method: clinical testing. Allele origin: germline.
Comment: This sequence change replaces arginine, which is basic and polar, with histidine, which is basic and polar, at codon 268 of the PNPLA2 protein (p.Arg268His). The frequency data for this variant in the population databases is considered unreliable, as metrics indicate poor data quality at this position in the gnomAD database. This variant has not been reported in the literature in individuals affected with PNPLA2-related conditions. ClinVar contains an entry for this variant (Variation ID: 858349). Algorithms developed to predict the effect of missense changes on protein structure and function output the following: SIFT: "Tolerated"; PolyPhen-2: "Benign"; Align-GVGD: "Class C0". The histidine amino acid residue is found in multiple mammalian species, which suggests that this missense change does not adversely affect protein function. In summary, the available evidence is currently insufficient to determine the role of this variant in disease. Therefore, it has been classified as a Variant of Uncertain Significance.